The following is an entry in ClinVar:

ClinVar aggregate classification (germline): Uncertain significance. Review status: criteria provided, multiple submitters, no conflicts (2 of 4 stars). 2 submissions from 2 submitters: Uncertain significance (2). Last evaluated 2024-12-19.

Conditions:
Myofibrillar myopathy 3 (MFM3). Also called: Muscular dystrophy, proximal, type 1A; Autosomal dominant spheroid body myopathy. Identifiers: Orphanet 266, Orphanet 268129, MedGen C3714934, MONDO:0012215, OMIM 609200.
Inborn genetic diseases. Identifiers: MedGen C0950123, MeSH D030342.

Allele frequency attached by ClinVar (database versions not stated): gnomAD 0.00001 and 0.00002; gnomAD exomes 0.00001 and 0.00002; ExAC 0.00002; TOPMed 0.00002; ESP Exome Variant Server 0.00008.
gnomAD v4.1: 23 of 1,560,252 alleles (0.0015%); highest among the groups gnomAD compares: South Asian, 0.0022%; no homozygotes.

Submissions (2):

Ambry Genetics
Classification: Uncertain significance for Inborn genetic diseases. Last evaluated: 2024-12-19. Review status: criteria provided, single submitter. Criteria: Ambry Variant Classification Scheme 2023. Collection method: clinical testing. Allele origin: germline.

Labcorp Genetics (formerly Invitae), Labcorp
Classification: Uncertain significance for Myofibrillar myopathy 3. Last evaluated: 2022-07-06. Review status: criteria provided, single submitter. Criteria: Invitae Variant Classification Sherloc (09022015). Collection method: clinical testing. Allele origin: germline.
Comment: In summary, the available evidence is currently insufficient to determine the role of this variant in disease. Therefore, it has been classified as a Variant of Uncertain Significance. Algorithms developed to predict the effect of missense changes on protein structure and function are either unavailable or do not agree on the potential impact of this missense change (SIFT: "Tolerated"; PolyPhen-2: "Probably Damaging"; Align-GVGD: "Class C0"). ClinVar contains an entry for this variant (Variation ID: 657756). This variant has not been reported in the literature in individuals affected with MYOT-related conditions. This variant is present in population databases (rs147239483, gnomAD 0.003%). This sequence change replaces tyrosine, which is neutral and polar, with histidine, which is basic and polar, at codon 399 of the MYOT protein (p.Tyr399His).

NM_006790.3(MYOT):c.1195T>C (p.Tyr399His)

Genes: MYOT (myotilin; plus strand), PKD2L2-DT (PKD2L2 divergent transcript; minus strand). Cytogenetic location: 5q31.2.
Variant type: single nucleotide variant.
Coding change: c.1195T>C on transcript NM_006790.3 (MANE Select); coding-DNA position 1195, T replaced by C.
Protein change: p.Tyr399His; replaces tyrosine 399 with histidine.
Molecular consequence: missense variant.
Genome position (GRCh38, 1-based): chr5:137,886,868, T>C. VCF-style: chr5-137886868-T-C. GRCh37 (hg19) VCF-style: chr5-137222557-T-C.
Other names: c.643T>C, p.Tyr215His (NM_001135940.2); c.850T>C, p.Tyr284His (NM_001300911.2); short protein forms Y399H, Y284H, Y215H.
Identifiers: ClinVar variation 657756 (VCV000657756.10), dbSNP rs147239483, ClinGen allele CA3423128.